The following is an entry in ClinVar:

ClinVar aggregate classification (germline): Likely pathogenic (1 of 4 stars; one submission).

Conditions:
Hereditary hyperekplexia. Identifiers: Orphanet 3197, MedGen C4084968, MONDO:0021022.

Submission:

Labcorp Genetics (formerly Invitae), Labcorp
Classification: Likely pathogenic for Hereditary hyperekplexia. Last evaluated: 2024-01-05. Review status: criteria provided, single submitter. Criteria: Invitae Variant Classification Sherloc (09022015). Collection method: clinical testing. Allele origin: germline.
Comment: This sequence change affects a donor splice site in intron 2 of the GLRA1 gene. It is expected to disrupt RNA splicing. Variants that disrupt the donor or acceptor splice site typically lead to a loss of protein function (PMID: 16199547), and loss-of-function variants in GLRA1 are known to be pathogenic (PMID: 20631190, 24108130). This variant is not present in population databases (gnomAD no frequency). This variant has not been reported in the literature in individuals affected with GLRA1-related conditions. ClinVar contains an entry for this variant (Variation ID: 2147844). Algorithms developed to predict the effect of sequence changes on RNA splicing suggest that this variant may disrupt the consensus splice site. In summary, the currently available evidence indicates that the variant is pathogenic, but additional data are needed to prove that conclusively. Therefore, this variant has been classified as Likely Pathogenic.

Literature cited by the submitters: PubMed 16199547; PubMed 20631190; PubMed 24108130.

NM_000171.4(GLRA1):c.184+1G>A

Gene: GLRA1 (glycine receptor alpha 1; minus strand). Cytogenetic location: 5q33.1.
Variant type: single nucleotide variant.
Coding change: c.184+1G>A on transcript NM_000171.4 (MANE Select); the canonical splice donor site of the intron after coding-DNA position 184, G replaced by A.
Molecular consequence: splice donor variant. On other transcripts: intron variant (1).
Genome position (GRCh38, 1-based): chr5:151,892,310, C>T on the plus strand (G>A on the coding strand, the complement: GLRA1 is on the minus strand). VCF-style: chr5-151892310-C-T. GRCh37 (hg19) VCF-style: chr5-151271871-C-T.
Other names: c.-65-5522G>A (NM_001292000.2); c.184+1G>A (NM_001146040.2).
Identifiers: ClinVar variation 2147844 (VCV002147844.4), dbSNP rs2480063069, ClinGen allele CA361847840.